The following is an entry in ClinVar:

ClinVar aggregate classification (germline): Conflicting classifications of pathogenicity. Review status: criteria provided, conflicting classifications (1 of 4 stars). 4 submissions from 4 submitters: Uncertain significance (1); Likely benign (3). Last evaluated 2025-12-26.

Conditions:
Cardiovascular phenotype. Identifiers: MedGen CN230736.
ANKRD1-related disorder. Also called: ANKRD1-related condition.
ANKRD1-related dilated cardiomyopathy. Identifiers: MedGen CN119551.

Allele frequency attached by ClinVar (database versions not stated): gnomAD 0.00001 and 0.00009; gnomAD exomes 0.00015 and 0.00032; ExAC 0.00033; 1000 Genomes Project 0.00040; 1000 Genomes Project 30x 0.00047.
gnomAD v4.1: 225 of 1,609,362 alleles (0.014%); highest among the groups gnomAD compares: South Asian, 0.24%; 1 homozygote.

Submissions (4):

Labcorp Genetics (formerly Invitae), Labcorp
Classification: Likely benign for ANKRD1-related dilated cardiomyopathy. Last evaluated: 2025-12-26. Review status: criteria provided, single submitter. Criteria: Invitae Variant Classification Sherloc (09022015). Collection method: clinical testing. Allele origin: germline.

PreventionGenetics, part of Exact Sciences
Classification: Likely benign for ANKRD1-related condition. Last evaluated: 2025-05-20. Review status: criteria provided, single submitter. Criteria: ACMG Guidelines, 2015. Collection method: clinical testing. Allele origin: germline.
Comment: This variant is classified as likely benign based on ACMG/AMP sequence variant interpretation guidelines (Richards et al. 2015 PMID: 25741868, with internal and published modifications).

Ambry Genetics
Classification: Likely benign for Cardiovascular phenotype. Last evaluated: 2021-02-24. Review status: criteria provided, single submitter. Criteria: Ambry Variant Classification Scheme 2023. Collection method: clinical testing. Allele origin: germline.

Laboratory for Molecular Medicine, Mass General Brigham Personalized Medicine
Classification: Uncertain significance. Last evaluated: 2014-08-21. Review status: criteria provided, single submitter. Criteria: LMM Criteria. Collection method: clinical testing. Allele origin: germline. Observed: 2 variant alleles.
Comment: It was absent fr om large population studies. Computational prediction tools and conservation ana lysis suggest that this variant may impact the protein, though this information is not predictive enough to determine pathogenicity. In summary, the clinical si gnificance of the Asp86His variant is uncertain.

NM_014391.3(ANKRD1):c.256G>C (p.Asp86His)

Gene: ANKRD1 (ankyrin repeat domain 1; minus strand). Cytogenetic location: 10q23.31.
Variant type: single nucleotide variant.
Coding change: c.256G>C on transcript NM_014391.3 (MANE Select); coding-DNA position 256, G replaced by C.
Protein change: p.Asp86His; replaces aspartic acid 86 with histidine.
Molecular consequence: missense variant.
Genome position (GRCh38, 1-based): chr10:90,919,220, C>G on the plus strand (G>C on the coding strand, the complement: ANKRD1 is on the minus strand). VCF-style: chr10-90919220-C-G. GRCh37 (hg19) VCF-style: chr10-92678977-C-G.
Other names: short protein forms D86H.
Identifiers: ClinVar variation 162749 (VCV000162749.16), dbSNP rs573892607, ClinGen allele CA175247.